The following is an entry in ClinVar:

NM_181552.4(CUX1):c.3556C>T (p.Gln1186Ter)

Gene: CUX1 (cut like homeobox 1; plus strand). Cytogenetic location: 7q22.1.
Variant type: single nucleotide variant.
Coding change: c.3556C>T on transcript NM_181552.4 (MANE Select); coding-DNA position 3556, C replaced by T.
Protein change: p.Gln1186Ter; replaces glutamine 1186 with a stop codon.
Molecular consequence: nonsense. On other transcripts: intron variant (5).
Genome position (GRCh38, 1-based): chr7:102,234,174, C>T. VCF-style: chr7-102234174-C-T. GRCh37 (hg19) VCF-style: chr7-101877454-C-T.
Other names: c.3589C>T, p.Gln1197Ter (NM_001202543.2); c.1255+38571C>T (NM_001913.5); c.1249+38571C>T (NM_181500.4); c.1117+38571C>T (NM_001202545.3); c.1207+38571C>T (NM_001202544.3); c.1138+38571C>T (NM_001202546.3); short protein forms Q1186*, Q1197*.
Identifiers: ClinVar variation 2691892 (VCV002691892.2), dbSNP rs2486093867, ClinGen allele CA368698050.

ClinVar aggregate classification (germline): Pathogenic (1 of 4 stars; one submission).

Conditions:
Global developmental delay with or without impaired intellectual development. Identifiers: MedGen C5193032, MONDO:0032680, OMIM 618330.

Submission:

Institute of Human Genetics, University of Leipzig Medical Center
Classification: Pathogenic for Global developmental delay with or without impaired intellectual development. Last evaluated: 2023-12-19. Review status: criteria provided, single submitter. Criteria: ACMG Guidelines, 2015. Collection method: clinical testing. Allele origin: de novo. Inheritance: Autosomal dominant inheritance. Affected: yes.
Comment: Criteria applied: PVS1,PS2_MOD,PM2_SUP